The following is an entry in ClinVar:

NM_005518.4(HMGCS2):c.175C>A (p.Leu59Met)

Gene: HMGCS2 (3-hydroxy-3-methylglutaryl-CoA synthase 2; minus strand). Cytogenetic location: 1p12.
Variant type: single nucleotide variant.
Coding change: c.175C>A on transcript NM_005518.4 (MANE Select); coding-DNA position 175, C replaced by A.
Protein change: p.Leu59Met; replaces leucine 59 with methionine.
Molecular consequence: missense variant.
Genome position (GRCh38, 1-based): chr1:119,764,556, G>T on the plus strand (C>A on the coding strand, the complement: HMGCS2 is on the minus strand). VCF-style: chr1-119764556-G-T. GRCh37 (hg19) VCF-style: chr1-120307179-G-T.
Other names: c.175C>A, p.Leu59Met (NM_001166107.1); short protein forms L59M.
Identifiers: ClinVar variation 618164 (VCV000618164.20), dbSNP rs181428774, ClinGen allele CA1037943.
Genomic context (GRCh38, chr1:119,764,556, plus strand): 5'-CATTGTTATACTTCTCCAGGTCAGTTTGGTCCACATATTGGGCTGGGAAGTAGACCTCCA[G>T]GGCCAGGATGCCCACGTCCTTTGGCCAAGTATCTGTTTTGGCCAGGGGGACAGCAGAGGC-3'
Protein context (NP_005509.1, residues 49-69): TWPKDVGILA[Leu59Met]EVYFPAQYVD

ClinVar aggregate classification (germline): Conflicting classifications of pathogenicity. Review status: criteria provided, conflicting classifications (1 of 4 stars). 3 submissions from 3 submitters: Uncertain significance (1); Likely benign (2). Last evaluated 2025-01-27.

Conditions:
3-hydroxy-3-methylglutaryl-CoA synthase deficiency (HMGCS2D). Also called: HMGCS2 DEFICIENCY; HMG-CoA synthase-2 deficiency; MITOCHONDRIAL HMG-CoA SYNTHASE DEFICIENCY. Identifiers: Orphanet 35701, MedGen C2751532, MONDO:0011614, OMIM 605911.

Allele frequency attached by ClinVar (database versions not stated): gnomAD 0.00010 and 0.00015; TOPMed 0.00017; 1000 Genomes Project 30x 0.00062; 1000 Genomes Project 0.00080.
gnomAD v4.1: 193 of 1,614,204 alleles (0.012%); highest among the groups gnomAD compares: East Asian, 0.37%; no homozygotes.

Submissions (3):

Labcorp Genetics (formerly Invitae), Labcorp
Classification: Likely benign for 3-hydroxy-3-methylglutaryl-CoA synthase deficiency. Last evaluated: 2025-01-27. Review status: criteria provided, single submitter. Criteria: Invitae Variant Classification Sherloc (09022015). Collection method: clinical testing. Allele origin: germline.

Illumina Laboratory Services, Illumina
Classification: Likely benign for 3-hydroxy-3-methylglutaryl-CoA synthase deficiency. Last evaluated: 2018-01-12. Review status: criteria provided, single submitter. Criteria: ICSL Variant Classification Criteria 13 December 2019. Collection method: clinical testing. Allele origin: germline.
Comment: This variant was observed in the ICSL laboratory as part of a predisposition screen in an ostensibly healthy population. It had not been previously curated by ICSL or reported in the Human Gene Mutation Database (HGMD: prior to June 1st, 2018), and was therefore a candidate for classification through an automated scoring system. Utilizing variant allele frequency, disease prevalence and penetrance estimates, and inheritance mode, an automated score was calculated to assess if this variant is too frequent to cause the disease. Based on the score and internal cut-off values, a variant classified as likely benign is not then subjected to further curation. The score for this variant resulted in a classification of likely benign for this disease.

ARUP Laboratories, Molecular Genetics and Genomics, ARUP Laboratories
Classification: Uncertain significance. Last evaluated: 2017-09-16. Review status: criteria provided, single submitter. Criteria: ARUP Molecular Germline Variant Investigation Process. Collection method: clinical testing. Allele origin: germline.
Comment: The p.Leu59Met variant (rs181428774) has been reported at similar frequencies in case and control populations for porokeratosis and stroke, suggesting that this variant is not associated with these disorders (Yamada 2017 and Zhang 2015). This variant is also listed in the Genome Aggregation Database (gnomAD) browser with an allele frequency of 0.46% in the East Asian population (identified in 87 out of 18,864 chromosomes). The leucine at codon 59 is moderately conserved considering 11 species (Alamut software v2.9.0), and computational analyses predict conflicting effects of this variant on protein structure/function (SIFT: tolerated, PolyPhen2: benign, MutationTaster: disease causing). While the p.Leu59Met variant appears to be an ethnic-specific polymorphism in the East Asian population, the available evidence is insufficient to classify the clinical significance of this variant with certainty.